The following is an entry in ClinVar:

ClinVar aggregate classification (germline): Conflicting classifications of pathogenicity. Review status: criteria provided, conflicting classifications (1 of 4 stars). 2 submissions from 2 submitters: Uncertain significance (1); Likely benign (1). Last evaluated 2025-04-30.

Conditions:
Inborn genetic diseases. Identifiers: MedGen C0950123, MeSH D030342.

Allele frequency attached by ClinVar (database versions not stated): ExAC 0.00001; gnomAD 0.00004.
gnomAD v4.1: 56 of 1,601,758 alleles (0.0035%); highest among the groups gnomAD compares: East Asian, 0.0089%; no homozygotes.

Submissions (2):

Ambry Genetics
Classification: Likely benign for Inborn genetic diseases. Last evaluated: 2025-04-30. Review status: criteria provided, single submitter. Criteria: Ambry Variant Classification Scheme 2023. Collection method: clinical testing. Allele origin: germline.

Labcorp Genetics (formerly Invitae), Labcorp
Classification: Uncertain significance. Last evaluated: 2024-10-21. Review status: criteria provided, single submitter. Criteria: Invitae Variant Classification Sherloc (09022015). Collection method: clinical testing. Allele origin: germline.
Comment: This sequence change replaces valine, which is neutral and non-polar, with methionine, which is neutral and non-polar, at codon 391 of the PTDSS1 protein (p.Val391Met). This variant is present in population databases (rs781468003, gnomAD 0.005%). This variant has not been reported in the literature in individuals affected with PTDSS1-related conditions. ClinVar contains an entry for this variant (Variation ID: 2191551). An algorithm developed to predict the effect of missense changes on protein structure and function (PolyPhen-2) suggests that this variant is likely to be tolerated. In summary, the available evidence is currently insufficient to determine the role of this variant in disease. Therefore, it has been classified as a Variant of Uncertain Significance.

NM_014754.3(PTDSS1):c.1171G>A (p.Val391Met)

Gene: PTDSS1 (phosphatidylserine synthase 1; plus strand). Cytogenetic location: 8q22.1.
Variant type: single nucleotide variant.
Coding change: c.1171G>A on transcript NM_014754.3 (MANE Select); coding-DNA position 1171, G replaced by A.
Protein change: p.Val391Met; replaces valine 391 with methionine.
Molecular consequence: missense variant.
Genome position (GRCh38, 1-based): chr8:96,320,343, G>A. VCF-style: chr8-96320343-G-A. GRCh37 (hg19) VCF-style: chr8-97332571-G-A.
Other names: c.733G>A, p.Val245Met (NM_001290225.2); c.1171G>A (NM_014754.1); short protein forms V245M, V391M.
Identifiers: ClinVar variation 2191551 (VCV002191551.4), dbSNP rs781468003, ClinGen allele CA4816754.